The following is an entry in ClinVar:

ClinVar aggregate classification (germline): Uncertain significance (1 of 4 stars; one submission).

Submission:

Women's Health and Genetics/Laboratory Corporation of America, LabCorp
Classification: Uncertain significance. Last evaluated: 2024-04-04. Review status: criteria provided, single submitter. Criteria: LabCorp Variant Classification Summary - May 2015. Collection method: clinical testing. Allele origin: germline.
Comment: Variant summary: PDGFB c.58_59delinsAA (p.Ala20Asn) results in a non-conservative amino acid change in the encoded protein sequence. Two of two in-silico tools predict a damaging effect of the variant on protein function. The variant was absent in 237884 control chromosomes. The available data on variant occurrences in the general population are insufficient to allow any conclusion about variant significance. To our knowledge, no occurrence of c.58_59delinsAA in individuals affected with Basal Ganglia Calcification, Idiopathic, 5 and no experimental evidence demonstrating its impact on protein function have been reported. No submitters have cited clinical-significance assessments for this variant to ClinVar. Based on the evidence outlined above, the variant was classified as uncertain significance.

NM_002608.4(PDGFB):c.58_59delinsAA (p.Ala20Asn)

Gene: PDGFB (platelet derived growth factor subunit B; minus strand). Cytogenetic location: 22q13.1.
Variant type: Indel.
Coding change: c.58_59delinsAA on transcript NM_002608.4 (MANE Select); coding-DNA positions 58 to 59, GC replaced by AA.
Protein change: p.Ala20Asn; replaces alanine 20 with asparagine.
Molecular consequence: missense variant.
Genome position (GRCh38, 1-based): chr22:39,243,905-39,243,906, GC replaced by TT on the plus strand (GC replaced by AA on the coding strand, the reverse complement: PDGFB is on the minus strand). VCF-style: chr22-39243905-GC-TT. GRCh37 (hg19) VCF-style: chr22-39639910-GC-TT.
Other names: short protein forms A20N.
Identifiers: ClinVar variation 3251521 (VCV003251521.1), dbSNP rs2517777343.